The following is an entry in ClinVar:

NM_005529.7(HSPG2):c.6541G>A (p.Ala2181Thr)

Genes: HSPG2 (heparan sulfate proteoglycan 2; minus strand), LOC126805655 (CDK7 strongly-dependent group 2 enhancer GRCh37_chr1:22178409-22179608; plus strand). Cytogenetic location: 1p36.12.
Variant type: single nucleotide variant.
Coding change: c.6541G>A on transcript NM_005529.7 (MANE Select); coding-DNA position 6541, G replaced by A.
Protein change: p.Ala2181Thr; replaces alanine 2181 with threonine.
Molecular consequence: missense variant.
Genome position (GRCh38, 1-based): chr1:21,852,969, C>T on the plus strand (G>A on the coding strand, the complement: HSPG2 is on the minus strand). VCF-style: chr1-21852969-C-T. GRCh37 (hg19) VCF-style: chr1-22179462-C-T.
Other names: c.6544G>A, p.Ala2182Thr (NM_001291860.2); short protein forms A2181T, A2182T.
Identifiers: ClinVar variation 284845 (VCV000284845.48), dbSNP rs143109401, ClinGen allele CA671511.

ClinVar aggregate classification (germline): Conflicting classifications of pathogenicity. Review status: criteria provided, conflicting classifications (1 of 4 stars). 11 submissions from 10 submitters: Uncertain significance (4); Likely benign (6). 1 of the submissions does not count toward it. Last evaluated 2026-05-20.

Conditions:
Inborn genetic diseases. Identifiers: MedGen C0950123, MeSH D030342.
HSPG2-related disorder. Also called: HSPG2-related condition; HSPG2-related disorders.
Lethal Kniest-like syndrome (DDSH). Also called: Dyssegmental Dysplasia. Identifiers: Orphanet 1865, MedGen C1857100, MONDO:0009140, OMIM 224410.
Schwartz-Jampel syndrome. Also called: Myotonic myopathy dwarfism chondrodystrophy and ocular and facial abnormalities. Identifiers: Orphanet 800, MedGen C0036391, MONDO:0009717.

Allele frequency attached by ClinVar (database versions not stated): gnomAD exomes 0.00039 and 0.00025; gnomAD 0.00056; TOPMed 0.00065; ESP Exome Variant Server 0.00069; 1000 Genomes Project 30x 0.00078; 1000 Genomes Project 0.00100; ExAC 0.00035.
gnomAD v4.1: 467 of 1,613,554 alleles (0.029%); highest among the groups gnomAD compares: African/African-American, 0.14%; 3 homozygotes.

Submissions (11):

Women's Health and Genetics/Laboratory Corporation of America, LabCorp
Classification: Likely benign. Last evaluated: 2026-05-20. Review status: criteria provided, single submitter. Criteria: LabCorp Variant Classification Summary - May 2015. Collection method: clinical testing. Allele origin: germline.
Comment: Variant summary: HSPG2 c.6541G>A (p.Ala2181Thr) results in a non-conservative amino acid change in the encoded protein sequence. Algorithms developed to predict the effect of missense changes on protein structure and function are either unavailable or do not agree on the potential impact of this missense change. The variant allele was found at a frequency of 0.00039 in 250046 control chromosomes, predominantly at a frequency of 0.0041 within the Ashkenazi Jewish subpopulation in the gnomAD database, including 1 homozygote. The observed variant frequency within Ashkenazi Jewish control individuals in the gnomAD database exceeds the estimated maximal expected allele frequency for disease-causing variants in HSPG2. To our knowledge, no occurrence of c.6541G>A in individuals affected with HSPG2-related conditions and no experimental evidence demonstrating its impact on protein function have been reported. ClinVar contains an entry for this variant (Variation ID: 284845). Based on the evidence outlined above, the variant was classified as likely benign.

Labcorp Genetics (formerly Invitae), Labcorp
Classification: Likely benign. Last evaluated: 2025-12-18. Review status: criteria provided, single submitter. Criteria: Invitae Variant Classification Sherloc (09022015). Collection method: clinical testing. Allele origin: germline.

Blueprint Genetics
Classification: Likely benign. Last evaluated: 2024-11-14. Review status: criteria provided, single submitter. Criteria: ACMG Guidelines, 2015. Collection method: clinical testing. Allele origin: germline.

Athena Diagnostics
Classification: Likely benign. Last evaluated: 2024-10-07. Review status: criteria provided, single submitter. Criteria: Athena Diagnostics Criteria. Collection method: clinical testing. Allele origin: unknown.

CeGaT Center for Human Genetics Tuebingen
Classification: Likely benign. Last evaluated: 2024-04-01. Review status: criteria provided, single submitter. Criteria: CeGaT Center For Human Genetics Tuebingen Variant Classification Criteria Version 2. Collection method: clinical testing. Allele origin: germline. Affected: yes. Observed: 1 variant allele.
Comment: HSPG2: BP4, BS2

Ambry Genetics
Classification: Likely benign for Inborn genetic diseases. Last evaluated: 2022-03-10. Review status: criteria provided, single submitter. Criteria: Ambry Variant Classification Scheme 2023. Collection method: clinical testing. Allele origin: germline.

Revvity Omics, Revvity
Classification: Uncertain significance. Last evaluated: 2021-09-14. Review status: criteria provided, single submitter. Criteria: ACMG Guidelines, 2015. Collection method: clinical testing. Allele origin: germline.

Illumina Laboratory Services, Illumina
Classification: Uncertain significance for Lethal Kniest-like syndrome. Last evaluated: 2018-01-12. Review status: criteria provided, single submitter. Criteria: ICSL Variant Classification Criteria 13 December 2019. Collection method: clinical testing. Allele origin: germline.

Illumina Laboratory Services, Illumina
Classification: Uncertain significance for Schwartz-Jampel syndrome type 1. Last evaluated: 2018-01-12. Review status: criteria provided, single submitter. Criteria: ICSL Variant Classification Criteria 13 December 2019. Collection method: clinical testing. Allele origin: germline.

Eurofins Ntd Llc (ga)
Classification: Uncertain significance. Last evaluated: 2016-06-28. Review status: criteria provided, single submitter. Criteria: EGL Classification Definitions 2015. Collection method: clinical testing. Allele origin: germline. Observed: 3 variant alleles, 3 heterozygotes.

PreventionGenetics, part of Exact Sciences
Classification: Likely benign for HSPG2-related condition. Last evaluated: 2022-12-28. Review status: no assertion criteria provided. Collection method: clinical testing. Allele origin: germline. Not counted in ClinVar's aggregate classification.
Comment: This variant is classified as likely benign based on ACMG/AMP sequence variant interpretation guidelines (Richards et al. 2015 PMID: 25741868, with internal and published modifications).